The following is an entry in ClinVar:

ClinVar aggregate classification (germline): Pathogenic. Review status: criteria provided, multiple submitters, no conflicts (2 of 4 stars). 3 submissions from 3 submitters: Pathogenic (3). Last evaluated 2024-01-07.

Conditions:
SKIN/HAIR/EYE PIGMENTATION 3, LIGHT/DARK SKIN (SHEP3). Also called: SKIN/HAIR/EYE PIGMENTATION 3, BLUE/GREEN EYE COLOR; SKIN/HAIR/EYE PIGMENTATION 3, FRECKLING; SKIN/HAIR/EYE PIGMENTATION, VARIATION IN, 3; EYE COLOR 1; EYE COLOR, GREEN/BLUE. Identifiers: MedGen C2677190, OMIM 601800.
Oculocutaneous albinism type 1A (OCA1A). Also called: Albinism, oculocutaneous, type IA. Identifiers: Orphanet 352731, Orphanet 79431, MedGen C4551504, MONDO:0008745, OMIM 203100. Disease mechanism: loss of function.
Oculocutaneous albinism type 1B (OCA1B). Also called: YELLOW ALBINISM; ALBINISM, OCULOCUTANEOUS, TYPE IB; ALBINISM, YELLOW MUTANT TYPE. Identifiers: Orphanet 352731, Orphanet 352737, Orphanet 79434, MedGen C1847024, MONDO:0011749, OMIM 606952.

Submissions (3):

Baylor Genetics
Classification: Pathogenic for SKIN/HAIR/EYE PIGMENTATION 3, LIGHT/DARK SKIN. Last evaluated: 2024-01-07. Review status: criteria provided, single submitter. Criteria: ACMG Guidelines, 2015. Collection method: clinical testing. Allele origin: unknown.

Labcorp Genetics (formerly Invitae), Labcorp
Classification: Pathogenic. Last evaluated: 2023-07-13. Review status: criteria provided, single submitter. Criteria: Invitae Variant Classification Sherloc (09022015). Collection method: clinical testing. Allele origin: germline.
Comment: For these reasons, this variant has been classified as Pathogenic. This variant disrupts the p.Gly253 amino acid residue in TYR. Other variant(s) that disrupt this residue have been determined to be pathogenic (PMID: 9259202, 19626598; Invitae). This suggests that this residue is clinically significant, and that variants that disrupt this residue are likely to be disease-causing. Advanced modeling of protein sequence and biophysical properties (such as structural, functional, and spatial information, amino acid conservation, physicochemical variation, residue mobility, and thermodynamic stability) performed at Invitae indicates that this missense variant is expected to disrupt TYR protein function. This variant is also known as c.896G>A. This missense change has been observed in individual(s) with ocular albinism (PMID: 13680365, 16767664). In at least one individual the data is consistent with being in trans (on the opposite chromosome) from a pathogenic variant. This variant is not present in population databases (gnomAD no frequency). This sequence change replaces glycine, which is neutral and non-polar, with glutamic acid, which is acidic and polar, at codon 253 of the TYR protein (p.Gly253Glu).

Juno Genomics, Hangzhou Juno Genomics, Inc
Classification: Pathogenic for Oculocutaneous albinism type 1A; Oculocutaneous albinism type 1B. Review status: criteria provided, single submitter. Criteria: ACMG Guidelines, 2015. Collection method: clinical testing. Allele origin: germline.
Comment: Absent from controls (or at extremely low frequency if recessive) in Genome Aggregation Database.;For recessive disorders, detected in trans with a pathogenic variant.;Patient's phenotype or family history is highly specific for a disease with a single genetic etiology.;Multiple lines of computational evidence support a deleterious effect on the gene or gene product.

Literature cited by the submitters: PubMed 9259202 (cited by Labcorp Genetics (formerly Invitae), Labcorp); PubMed 19626598 (cited by Labcorp Genetics (formerly Invitae), Labcorp); PubMed 13680365 (cited by Labcorp Genetics (formerly Invitae), Labcorp); PubMed 16767664 (cited by Labcorp Genetics (formerly Invitae), Labcorp).

NM_000372.5(TYR):c.758G>A (p.Gly253Glu)

Gene: TYR (tyrosinase; plus strand). Cytogenetic location: 11q14.3.
Variant type: single nucleotide variant.
Coding change: c.758G>A on transcript NM_000372.5 (MANE Select); coding-DNA position 758, G replaced by A.
Protein change: p.Gly253Glu; replaces glycine 253 with glutamic acid.
Molecular consequence: missense variant.
Genome position (GRCh38, 1-based): chr11:89,178,711, G>A. VCF-style: chr11-89178711-G-A. GRCh37 (hg19) VCF-style: chr11-88911879-G-A.
Other names: short protein forms G253E.
Identifiers: ClinVar variation 2735726 (VCV002735726.6), dbSNP rs1171626324, ClinGen allele CA382035358.